The following is an entry in ClinVar:

NM_003640.5(ELP1):c.959-2A>C

Gene: ELP1 (elongator acetyltransferase complex subunit 1; minus strand). Cytogenetic location: 9q31.3.
Variant type: single nucleotide variant.
Coding change: c.959-2A>C on transcript NM_003640.5 (MANE Select); the canonical splice acceptor site of the intron before coding-DNA position 959, A replaced by C.
Molecular consequence: splice acceptor variant.
Genome position (GRCh38, 1-based): chr9:108,912,496, T>G on the plus strand (A>C on the coding strand, the complement: ELP1 is on the minus strand). VCF-style: chr9-108912496-T-G. GRCh37 (hg19) VCF-style: chr9-111674776-T-G.
Other names: c.617-2A>C (NM_001318360.2); c.-89-2A>C (NM_001330749.2).
Identifiers: ClinVar variation 2123468 (VCV002123468.4), dbSNP rs2537926887, ClinGen allele CA374429728.
Genomic context (GRCh38, chr9:108,912,496, plus strand): 5'-GCTGAAGGATAAACTTTGCTTGAGATACCAGTGATAGTTTCCAACAGTCCAGAGCTGAAC[T>G]GCAAGGGAAAATGAAAAGAAGGCCGTTAGAGGCTGGGAAGCAGACTTCATCCCACTTGCC-3'

ClinVar aggregate classification (germline): Likely pathogenic (1 of 4 stars; one submission).

Submission:

Labcorp Genetics (formerly Invitae), Labcorp
Classification: Likely pathogenic. Last evaluated: 2022-08-05. Review status: criteria provided, single submitter. Criteria: Invitae Variant Classification Sherloc (09022015). Collection method: clinical testing. Allele origin: germline.
Comment: This variant is not present in population databases (gnomAD no frequency). This sequence change affects an acceptor splice site in intron 10 of the ELP1 gene. It is expected to disrupt RNA splicing. Variants that disrupt the donor or acceptor splice site typically lead to a loss of protein function (PMID: 16199547), and loss-of-function variants in ELP1 are known to be pathogenic (PMID: 18303054, 24173031). This variant has not been reported in the literature in individuals affected with ELP1-related conditions. In summary, the currently available evidence indicates that the variant is pathogenic, but additional data are needed to prove that conclusively. Therefore, this variant has been classified as Likely Pathogenic. Algorithms developed to predict the effect of sequence changes on RNA splicing suggest that this variant may disrupt the consensus splice site.

Literature cited by the submitters: PubMed 16199547; PubMed 18303054; PubMed 24173031.